The following is an entry in ClinVar:

NM_001042492.3(NF1):c.3810_3820del (p.Met1271fs)

Gene: NF1 (neurofibromin 1; plus strand). Cytogenetic location: 17q11.2.
Variant type: Deletion.
Coding change: c.3810_3820del on transcript NM_001042492.3 (MANE Select); coding-DNA positions 3810 to 3820, 11 bases deleted (CATGCAGACTC).
Protein change: p.Met1271fs; shifts the reading frame from methionine 1271.
Molecular consequence: frameshift variant.
Genome position (GRCh38, 1-based): chr17:31,235,712-31,235,722, CATGCAGACTC deleted; deleting any 11 consecutive bases within chr17:31,235,704-31,235,722 gives the same sequence; the c. name uses the placement nearest the transcript's 3' end. VCF-style (leftmost placement, unchanged base first): chr17-31235703-GGCAGACTCCAT-G. GRCh37 (hg19) VCF-style: chr17-29562721-GGCAGACTCCAT-G.
Other names: c.3810_3820delCATGCAGACTC, p.Met1271Leufs (NM_000267.4); short protein forms M1271fs.
Identifiers: ClinVar variation 835230 (VCV000835230.11), dbSNP rs2067188114, ClinGen allele CA916080620.

ClinVar aggregate classification (germline): Pathogenic. Review status: criteria provided, multiple submitters, no conflicts (2 of 4 stars). 3 submissions from 3 submitters: Pathogenic (3). Last evaluated 2025-04-25.

Conditions:
Neurofibromatosis, type 1 (NF1). Also called: NEUROFIBROMATOSIS, TYPE I, SOMATIC; VON RECKLINGHAUSEN DISEASE; Peripheral type neurofibromatosis; Neurofibromatosis, type I. Identifiers: Orphanet 636, MedGen C0027831, MONDO:0018975, OMIM 162200. Disease mechanism: loss of function.

Submissions (3):

GeneDx
Classification: Pathogenic. Last evaluated: 2025-04-25. Review status: criteria provided, single submitter. Criteria: GeneDx Variant Classification Process June 2021. Collection method: clinical testing. Allele origin: germline.
Comment: Frameshift variant predicted to result in protein truncation or nonsense mediated decay in a gene for which loss-of-function is a known mechanism of disease; Not observed at significant frequency in large population cohorts (gnomAD); This variant is associated with the following publications: (PMID: 26345759)

Labcorp Genetics (formerly Invitae), Labcorp
Classification: Pathogenic for Neurofibromatosis, type 1. Last evaluated: 2025-02-27. Review status: criteria provided, single submitter. Criteria: Invitae Variant Classification Sherloc (09022015). Collection method: clinical testing. Allele origin: germline.
Comment: This sequence change creates a premature translational stop signal (p.Met1271Leufs*9) in the NF1 gene. It is expected to result in an absent or disrupted protein product. Loss-of-function variants in NF1 are known to be pathogenic (PMID: 10712197, 23913538). This variant is not present in population databases (gnomAD no frequency). This premature translational stop signal has been observed in individual(s) with neurofibromatosis type 1 (PMID: 26345759). ClinVar contains an entry for this variant (Variation ID: 835230). For these reasons, this variant has been classified as Pathogenic.

Revvity Omics, Revvity
Classification: Pathogenic. Last evaluated: 2024-03-14. Review status: criteria provided, single submitter. Criteria: ACMG Guidelines, 2015. Collection method: clinical testing. Allele origin: germline.

Literature cited by the submitters: PubMed 10712197 (cited by Labcorp Genetics (formerly Invitae), Labcorp); PubMed 23913538 (cited by Labcorp Genetics (formerly Invitae), Labcorp); PubMed 26345759 (cited by Labcorp Genetics (formerly Invitae), Labcorp).